The following is an entry in ClinVar:

NM_005334.3(HCFC1):c.614C>G (p.Ala205Gly)

Gene: HCFC1 (host cell factor C1; minus strand). Cytogenetic location: Xq28.
Variant type: single nucleotide variant.
Coding change: c.614C>G on transcript NM_005334.3 (MANE Select); coding-DNA position 614, C replaced by G.
Protein change: p.Ala205Gly; replaces alanine 205 with glycine.
Molecular consequence: missense variant.
Genome position (GRCh38, 1-based): chrX:153,963,323, G>C on the plus strand (C>G on the coding strand, the complement: HCFC1 is on the minus strand). VCF-style: chrX-153963323-G-C. GRCh37 (hg19) VCF-style: chrX-153228774-G-C.
Other names: c.614C>G, p.Ala205Gly (NM_001410705.1); short protein forms A205G.
Identifiers: ClinVar variation 2579442 (VCV002579442.1), dbSNP rs2521713396, ClinGen allele CA415148977.

ClinVar aggregate classification (germline): Uncertain significance (1 of 4 stars; one submission).

Allele frequency attached by ClinVar (database versions not stated): gnomAD exomes below 0.00001.
gnomAD v4.1: 1 of 1,209,276 alleles (0.000083%); highest among the groups gnomAD compares: Non-Finnish European, 0.00011%; no homozygotes.

Submission:

GeneDx
Classification: Uncertain significance. Last evaluated: 2023-03-07. Review status: criteria provided, single submitter. Criteria: GeneDx Variant Classification Process June 2021. Collection method: clinical testing. Allele origin: germline. Affected: yes.
Comment: Not observed at significant frequency in large population cohorts (gnomAD); In silico analysis supports that this missense variant does not alter protein structure/function; Has not been previously published as pathogenic or benign to our knowledge